The following is an entry in ClinVar:

ClinVar aggregate classification (germline): Benign/Likely benign. Review status: criteria provided, multiple submitters, no conflicts (2 of 4 stars). 15 submissions from 15 submitters: Benign (11); Likely benign (2). 2 of the submissions do not count toward it. Last evaluated 2026-03-27.

Conditions:
Myofibrillar myopathy 6. Identifiers: Orphanet 199340, MedGen C2751831, MONDO:0013061, OMIM 612954.
Dilated cardiomyopathy 1HH (CMD1HH). Identifiers: Orphanet 154, MedGen C3151293, MONDO:0013479, OMIM 613881.
Cardiomyopathy (CMYO). Also called: Cardiomyopathies. Identifiers: Orphanet 167848, MedGen C0878544, MONDO:0004994, HP:0001638. Inheritance: Various modes of inheritance.
Primary dilated cardiomyopathy (DCM). Also called: Dilated Cardiomyopathy. Identifiers: Orphanet 217604, MedGen C0007193, MeSH D002311, MONDO:0005021, HP:0001644. Inheritance: Various modes of inheritance.

Allele frequency attached by ClinVar (database versions not stated): ExAC 0.00087; 1000 Genomes Project 30x 0.00281; 1000 Genomes Project 0.00300; gnomAD 0.00315 and 0.00344; TOPMed 0.00342; ESP Exome Variant Server 0.00346.
gnomAD v4.1: 944 of 1,614,232 alleles (0.058%); highest among the groups gnomAD compares: African/African-American, 1.1%; 7 homozygotes.

Submissions (15):

Molecular Diagnostic Laboratory for Inherited Cardiovascular Disease, Montreal Heart Institute
Classification: Likely benign. Last evaluated: 2026-03-27. Review status: criteria provided, single submitter. Criteria: ACMG Guidelines, 2015. Collection method: clinical testing. Allele origin: germline. Affected: no.
Comment: BS1;BP4

Labcorp Genetics (formerly Invitae), Labcorp
Classification: Benign for Dilated cardiomyopathy 1HH; Myofibrillar myopathy 6. Last evaluated: 2026-02-01. Review status: criteria provided, single submitter. Criteria: Invitae Variant Classification Sherloc (09022015). Collection method: clinical testing. Allele origin: germline.

CeGaT Center for Human Genetics Tuebingen
Classification: Benign. Last evaluated: 2025-05-01. Review status: criteria provided, single submitter. Criteria: CeGaT Center For Human Genetics Tuebingen Variant Classification Criteria Version 2. Collection method: clinical testing. Allele origin: germline. Affected: yes. Observed: 2 variant alleles.
Comment: BAG3: BP4, BS1, BS2

Blueprint Genetics
Classification: Likely benign. Last evaluated: 2024-11-14. Review status: criteria provided, single submitter. Criteria: ACMG Guidelines, 2015. Collection method: clinical testing. Allele origin: germline.

ARUP Laboratories, Molecular Genetics and Genomics, ARUP Laboratories
Classification: Benign. Last evaluated: 2024-10-25. Review status: criteria provided, single submitter. Criteria: ARUP Molecular Germline Variant Investigation Process 2024. Collection method: clinical testing. Allele origin: germline.

Mayo Clinic Laboratories, Mayo Clinic
Classification: Benign. Last evaluated: 2023-11-27. Review status: criteria provided, single submitter. Criteria: ACMG Guidelines, 2015. Collection method: clinical testing. Allele origin: germline. Observed: 6 variant alleles.

CHEO Genetics Diagnostic Laboratory, Children's Hospital of Eastern Ontario
Classification: Benign for Cardiomyopathy. Last evaluated: 2022-03-23. Review status: criteria provided, single submitter. Criteria: ACMG Guidelines, 2015. Collection method: clinical testing. Allele origin: germline.

Women's Health and Genetics/Laboratory Corporation of America, LabCorp
Classification: Benign. Last evaluated: 2020-10-01. Review status: criteria provided, single submitter. Criteria: LabCorp Variant Classification Summary - May 2015. Collection method: clinical testing. Allele origin: germline.
Comment: Variant summary: BAG3 c.249C>A (p.His83Gln) results in a non-conservative amino acid change in the encoded protein sequence. Four of five in-silico tools predict a benign effect of the variant on protein function. The variant allele was found at a frequency of 0.001 in 282862 control chromosomes, predominantly at a frequency of 0.01 within the African or African-American subpopulation in the gnomAD database. The observed variant frequency within African or African-American control individuals in the gnomAD database is approximately 256 fold of the estimated maximal expected allele frequency for a pathogenic variant in BAG3 causing Dilated Cardiomyopathy phenotype (3.9e-05), strongly suggesting that the variant is a benign polymorphism found primarily in populations of African or African-American origin. To our knowledge, no experimental evidence demonstrating its impact on protein function have been reported. Six ClinVar submitters (evaluation after 2014) cite the variant as uncertain significance (1x) and benign (5x). Based on the evidence outlined above, the variant was classified as benign.

Mendelics
Classification: Benign for Myofibrillar myopathy 6. Last evaluated: 2019-05-28. Review status: criteria provided, single submitter. Criteria: Mendelics Assertion Criteria 2017. Collection method: clinical testing. Allele origin: unknown.

GeneDx
Classification: Benign. Last evaluated: 2018-11-09. Review status: criteria provided, single submitter. Criteria: GeneDx Variant Classification Process June 2021. Collection method: clinical testing. Allele origin: germline. Affected: yes.
Comment: This variant is associated with the following publications: (PMID: 25617006, 30086531)

Center for Advanced Laboratory Medicine, UC San Diego Health, University of California San Diego
Classification: Benign for Dilated cardiomyopathy. Last evaluated: 2018-02-07. Review status: criteria provided, single submitter. Criteria: ACMG Guidelines, 2015. Collection method: clinical testing. Allele origin: germline. Affected: yes. Observed: 1 variant allele.

Biesecker Lab/Clinical Genomics Section, National Institutes of Health
Classification: Benign. Last evaluated: 2013-06-24. Review status: criteria provided, single submitter. Criteria: Ng et al. (Circ Cardiovasc Genet. 2013). Collection method: research. Allele origin: unknown. Observed: 4 variant alleles. Study: ClinSeq.
Comment: The study set was not selected for affection status in relation to any cancer. Pathogenicity categories were based on literature curation. See Pubmed ID:23861362 for details.

Medical sequencing

Laboratory for Molecular Medicine, Mass General Brigham Personalized Medicine
Classification: Benign. Last evaluated: 2012-03-19. Review status: criteria provided, single submitter. Criteria: LMM Criteria. Collection method: clinical testing. Allele origin: germline. Observed: 5 variant alleles.
Comment: p.His83Gln in Exon 02 of BAG3: This variant is not expected to have clinical sig nificance because it has been identified in 1.0% (39/3738) of African American c hromosomes from a broad population by the NHLBI Exome Sequencing Project (dbSNP rs151331972).

Clinical Genetics DNA and cytogenetics Diagnostics Lab, Erasmus MC, Erasmus Medical Center
Classification: Benign. Review status: no assertion criteria provided. Collection method: clinical testing. Allele origin: germline. Affected: yes. Study: VKGL Data-share Consensus. Not counted in ClinVar's aggregate classification.

Clinical Genetics, Academic Medical Center
Classification: Benign. Review status: no assertion criteria provided. Collection method: clinical testing. Allele origin: germline. Affected: yes. Study: VKGL Data-share Consensus. Not counted in ClinVar's aggregate classification.

NM_004281.4(BAG3):c.249C>A (p.His83Gln)

Gene: BAG3 (BAG cochaperone 3; plus strand). Cytogenetic location: 10q26.11.
Variant type: single nucleotide variant.
Coding change: c.249C>A on transcript NM_004281.4 (MANE Select); coding-DNA position 249, C replaced by A.
Protein change: p.His83Gln; replaces histidine 83 with glutamine.
Molecular consequence: missense variant.
Genome position (GRCh38, 1-based): chr10:119,669,919, C>A. VCF-style: chr10-119669919-C-A. GRCh37 (hg19) VCF-style: chr10-121429431-C-A.
Other names: p.H83Q:CAC>CAA; short protein forms H83Q.
Identifiers: ClinVar variation 44782 (VCV000044782.76), dbSNP rs151331972, ClinGen allele CA282464.
Genomic context (GRCh38, chr10:119,669,919, plus strand): 5'-ATCCTCTGCCAATGGCCCTTCCCGGGAGGGCTCTAGGCTGCCGCCTGCTAGGGAAGGCCA[C>A]CCTGTGTACCCCCAGCTCCGACCAGGCTACATTCCCATTCCTGTGCTCCATGAAGGCGCT-3'
Protein context (NP_004272.2, residues 73-93): GSRLPPAREG[His83Gln]PVYPQLRPGY